The following is an entry in ClinVar:

NM_022458.4(LMBR1):c.423+4656A>G

Genes: LMBR1 (limb development membrane protein 1; minus strand), SHH (sonic hedgehog signaling molecule; minus strand), ZRS (ZPA regulatory sequence; plus strand). Cytogenetic location: 7q36.3.
Variant type: single nucleotide variant.
Coding change: c.423+4656A>G on transcript NM_022458.4 (MANE Select); 4656 bases into the intron after coding-DNA position 423, A replaced by G.
Molecular consequence: intron variant.
Genome position (GRCh38, 1-based): chr7:156,791,733, T>C on the plus strand (A>G on the coding strand, the complement: LMBR1 is on the minus strand). VCF-style: chr7-156791733-T-C. GRCh37 (hg19) VCF-style: chr7-156584427-T-C.
Other names: c.360+4656A>G (NM_001363412.2); c.144+4656A>G (NM_001350954.2); c.423+4656A>G (NM_001363410.2, NM_001363409.2, NM_001350953.2); c.-112+4656A>G (NM_001350958.2, NM_001350956.2, NM_001350955.2 and 1 more transcripts); c.54+4656A>G (NM_001350957.2, NM_001363411.2).
Identifiers: ClinVar variation 2142213 (VCV002142213.6), dbSNP rs181332317, ClinGen allele CA169823499.

ClinVar aggregate classification (germline): Likely benign. Review status: criteria provided, single submitter (1 of 4 stars). 2 submissions from 2 submitters: Likely benign (1). 1 of the submissions does not count toward it. Last evaluated 2022-08-31.

Conditions:
SHH-related disorder. Also called: SHH-related condition; SHH-related disorders.

Allele frequency attached by ClinVar (database versions not stated): gnomAD 0.00038; 1000 Genomes Project 30x 0.00078; 1000 Genomes Project 0.00080.
gnomAD v4.1: 58 of 152,338 alleles (0.038%); highest among the groups gnomAD compares: Middle Eastern, 0.34%; no homozygotes.

Submissions (2):

Labcorp Genetics (formerly Invitae), Labcorp
Classification: Likely benign. Last evaluated: 2022-08-31. Review status: criteria provided, single submitter. Criteria: Invitae Variant Classification Sherloc (09022015). Collection method: clinical testing. Allele origin: germline.

PreventionGenetics, part of Exact Sciences
Classification: Likely benign for SHH-related condition. Last evaluated: 2023-10-19. Review status: no assertion criteria provided. Collection method: clinical testing. Allele origin: germline. Not counted in ClinVar's aggregate classification.
Comment: This variant is classified as likely benign based on ACMG/AMP sequence variant interpretation guidelines (Richards et al. 2015 PMID: 25741868, with internal and published modifications).